The following is an entry in ClinVar:

NM_014159.7(SETD2):c.1687A>G (p.Ile563Val)

Gene: SETD2 (SET domain containing 2, histone lysine methyltransferase; minus strand). Cytogenetic location: 3p21.31.
Variant type: single nucleotide variant.
Coding change: c.1687A>G on transcript NM_014159.7 (MANE Select); coding-DNA position 1687, A replaced by G.
Protein change: p.Ile563Val; replaces isoleucine 563 with valine.
Molecular consequence: missense variant. On other transcripts: non-coding transcript variant (1).
Genome position (GRCh38, 1-based): chr3:47,122,949, T>C on the plus strand (A>G on the coding strand, the complement: SETD2 is on the minus strand). VCF-style: chr3-47122949-T-C. GRCh37 (hg19) VCF-style: chr3-47164439-T-C.
Other names: c.1555A>G, p.Ile519Val (NM_001349370.3); short protein forms I563V, I519V.
Identifiers: ClinVar variation 135210 (VCV000135210.11), dbSNP rs587778668, ClinGen allele CA162023.

ClinVar aggregate classification (germline): Benign/Likely benign. Review status: criteria provided, multiple submitters, no conflicts (2 of 4 stars). 4 submissions from 4 submitters: Benign (2); Likely benign (1). 1 of the submissions does not count toward it. Last evaluated 2023-11-06.

Conditions:
Inborn genetic diseases. Identifiers: MedGen C0950123, MeSH D030342.
Luscan-Lumish syndrome. Identifiers: Orphanet 597738, MedGen C4085873, MONDO:0014791, OMIM 616831.

Allele frequency attached by ClinVar (database versions not stated): gnomAD exomes below 0.00001 and 0.00001; gnomAD 0.00001; TOPMed 0.00003.
gnomAD v4.1: 8 of 1,613,326 alleles (0.0005%); highest among the groups gnomAD compares: Admixed American, 0.0084%; no homozygotes.

Submissions (4):

Ambry Genetics
Classification: Likely benign for Inborn genetic diseases. Last evaluated: 2023-11-06. Review status: criteria provided, single submitter. Criteria: Ambry Variant Classification Scheme 2023. Collection method: clinical testing. Allele origin: germline.

Labcorp Genetics (formerly Invitae), Labcorp
Classification: Benign for Luscan-Lumish syndrome. Last evaluated: 2021-12-03. Review status: criteria provided, single submitter. Criteria: Invitae Variant Classification Sherloc (09022015). Collection method: clinical testing. Allele origin: germline.

Breakthrough Genomics
Classification: Benign. Review status: criteria provided, single submitter. Criteria: ACMG Guidelines, 2015. Collection method: not provided. Allele origin: germline. Inheritance: Autosomal dominant inheritance. Affected: yes.

ITMI
No classification provided. Condition: AllHighlyPenetrant. Last evaluated: 2013-09-19. Review status: no classification provided. Collection method: reference population. Allele origin: germline. Not counted in ClinVar's aggregate classification.
Comment: Please see associated publication for description of ethnicities

Literature cited by the submitters: PubMed 24728327 (cited by ITMI).